The following is an entry in ClinVar:

ClinVar aggregate classification (germline): Uncertain significance (1 of 4 stars; one submission).

Conditions:
Nemaline myopathy 6 (NEM6). Also called: Nemaline myopathy 6, autosomal dominant. Identifiers: Orphanet 171439, MedGen C1836472, MONDO:0012237, OMIM 609273.

gnomAD v4.1: 1 of 1,538,174 alleles (0.000065%); highest among the groups gnomAD compares: Non-Finnish European, 0.000087%; no homozygotes.

Submission:

Labcorp Genetics (formerly Invitae), Labcorp
Classification: Uncertain significance for Nemaline myopathy 6. Last evaluated: 2025-08-03. Review status: criteria provided, single submitter. Criteria: Invitae Variant Classification Sherloc (09022015). Collection method: clinical testing. Allele origin: germline.
Comment: This sequence change replaces glycine, which is neutral and non-polar, with arginine, which is basic and polar, at codon 57 of the KBTBD13 protein (p.Gly57Arg). This variant is not present in population databases (gnomAD no frequency). This variant has not been reported in the literature in individuals affected with KBTBD13-related conditions. Invitae Evidence Modeling of protein sequence and biophysical properties (such as structural, functional, and spatial information, amino acid conservation, physicochemical variation, residue mobility, and thermodynamic stability) indicates that this missense variant is expected to disrupt KBTBD13 protein function with a positive predictive value of 80%. In summary, the available evidence is currently insufficient to determine the role of this variant in disease. Therefore, it has been classified as a Variant of Uncertain Significance.

NM_001101362.3(KBTBD13):c.169G>C (p.Gly57Arg)

Gene: KBTBD13 (kelch repeat and BTB domain containing 13; plus strand). Cytogenetic location: 15q22.31.
Variant type: single nucleotide variant.
Coding change: c.169G>C on transcript NM_001101362.3 (MANE Select); coding-DNA position 169, G replaced by C.
Protein change: p.Gly57Arg; replaces glycine 57 with arginine.
Molecular consequence: missense variant.
Genome position (GRCh38, 1-based): chr15:65,076,984, G>C. VCF-style: chr15-65076984-G-C. GRCh37 (hg19) VCF-style: chr15-65369322-G-C.
Other names: short protein forms G57R.
Identifiers: ClinVar variation 4694001 (VCV004694001.1).